The following is an entry in ClinVar:

NM_173689.7(CRB2):c.1410C>T (p.Pro470=)

Gene: CRB2 (crumbs cell polarity complex component 2; plus strand). Cytogenetic location: 9q33.3.
Variant type: single nucleotide variant.
Coding change: c.1410C>T on transcript NM_173689.7 (MANE Select); coding-DNA position 1410, C replaced by T.
Protein change: p.Pro470=; no amino-acid change (proline 470 retained).
Molecular consequence: synonymous variant. On other transcripts: non-coding transcript variant (1).
Genome position (GRCh38, 1-based): chr9:123,370,463, C>T. VCF-style: chr9-123370463-C-T. GRCh37 (hg19) VCF-style: chr9-126132742-C-T.
Other names: c.1410C>T (NM_173689.6).
Identifiers: ClinVar variation 1119381 (VCV001119381.13), dbSNP rs200850549, ClinGen allele CA5231969.

ClinVar aggregate classification (germline): Likely benign. Review status: criteria provided, multiple submitters, no conflicts (2 of 4 stars). 4 submissions from 4 submitters: Likely benign (3). 1 of the submissions does not count toward it. Last evaluated 2025-12-24.

Conditions:
CRB2-related disorder. Also called: CRB2-related condition; CRB2-related disorders.

Allele frequency attached by ClinVar (database versions not stated): gnomAD exomes 0.00009 and 0.00016; ExAC 0.00029; 1000 Genomes Project 30x 0.00031; TOPMed 0.00033; gnomAD 0.00034 and 0.00037; ESP Exome Variant Server 0.00038; 1000 Genomes Project 0.00040.

Submissions (4):

Labcorp Genetics (formerly Invitae), Labcorp
Classification: Likely benign. Last evaluated: 2025-12-24. Review status: criteria provided, single submitter. Criteria: Invitae Variant Classification Sherloc (09022015). Collection method: clinical testing. Allele origin: germline.

Blueprint Genetics
Classification: Likely benign. Last evaluated: 2022-11-19. Review status: criteria provided, single submitter. Criteria: ACMG Guidelines, 2015. Collection method: clinical testing. Allele origin: germline.

Breakthrough Genomics
Classification: Likely benign. Review status: criteria provided, single submitter. Criteria: ACMG Guidelines, 2015. Collection method: not provided. Allele origin: germline. Inheritance: Autosomal recessive inheritance. Affected: yes.

PreventionGenetics, part of Exact Sciences
Classification: Likely benign for CRB2-related condition. Last evaluated: 2020-05-26. Review status: no assertion criteria provided. Collection method: clinical testing. Allele origin: germline. Not counted in ClinVar's aggregate classification.
Comment: This variant is classified as likely benign based on ACMG/AMP sequence variant interpretation guidelines (Richards et al. 2015 PMID: 25741868, with internal and published modifications).